The following is an entry in ClinVar:

NM_001146.5(ANGPT1):c.1124T>C (p.Ile375Thr)

Gene: ANGPT1 (angiopoietin 1; minus strand). Cytogenetic location: 8q23.1.
Variant type: single nucleotide variant.
Coding change: c.1124T>C on transcript NM_001146.5 (MANE Select); coding-DNA position 1124, T replaced by C.
Protein change: p.Ile375Thr; replaces isoleucine 375 with threonine.
Molecular consequence: missense variant.
Genome position (GRCh38, 1-based): chr8:107,284,763, A>G on the plus strand (T>C on the coding strand, the complement: ANGPT1 is on the minus strand). VCF-style: chr8-107284763-A-G. GRCh37 (hg19) VCF-style: chr8-108296991-A-G.
Other names: c.1121T>C, p.Ile374Thr (NM_001199859.3); c.524T>C, p.Ile175Thr (NM_001314051.2); short protein forms I374T, I175T, I375T.
Identifiers: ClinVar variation 3685482 (VCV003685482.2).

ClinVar aggregate classification (germline): Uncertain significance (1 of 4 stars; one submission).

gnomAD v4.1: 6 of 1,612,106 alleles (0.00037%); highest among the groups gnomAD compares: South Asian, 0.0011%; no homozygotes.

Submission:

Labcorp Genetics (formerly Invitae), Labcorp
Classification: Uncertain significance. Last evaluated: 2024-02-26. Review status: criteria provided, single submitter. Criteria: Invitae Variant Classification Sherloc (09022015). Collection method: clinical testing. Allele origin: germline.
Comment: This sequence change replaces isoleucine, which is neutral and non-polar, with threonine, which is neutral and polar, at codon 375 of the ANGPT1 protein (p.Ile375Thr). This variant is not present in population databases (gnomAD no frequency). This variant has not been reported in the literature in individuals affected with ANGPT1-related conditions. An algorithm developed to predict the effect of missense changes on protein structure and function (PolyPhen-2) suggests that this variant is likely to be tolerated. In summary, the available evidence is currently insufficient to determine the role of this variant in disease. Therefore, it has been classified as a Variant of Uncertain Significance.